The following is an entry in ClinVar:

NM_001378457.1(DMXL2):c.8833C>A (p.His2945Asn)

Genes: DMXL2 (Dmx like 2; minus strand), LOC126862131 (MED14-independent group 3 enhancer GRCh37_chr15:51741640-51742839; plus strand). Cytogenetic location: 15q21.2.
Variant type: single nucleotide variant.
Coding change: c.8833C>A on transcript NM_001378457.1 (MANE Select); coding-DNA position 8833, C replaced by A.
Protein change: p.His2945Asn; replaces histidine 2945 with asparagine.
Molecular consequence: missense variant. On other transcripts: non-coding transcript variant (2).
Genome position (GRCh38, 1-based): chr15:51,450,263, G>T on the plus strand (C>A on the coding strand, the complement: DMXL2 is on the minus strand). VCF-style: chr15-51450263-G-T. GRCh37 (hg19) VCF-style: chr15-51742460-G-T.
Other names: c.8770C>A, p.His2924Asn (NM_001174116.3); c.6859C>A, p.His2287Asn (NM_001174117.3); c.8830C>A, p.His2944Asn (NM_001378458.1); c.8545C>A, p.His2849Asn (NM_001378459.1); c.6748C>A, p.His2250Asn (NM_001378460.1); c.8767C>A, p.His2923Asn (NM_015263.5); c.8770C>A (NM_001174116.1); short protein forms H2287N, H2924N, H2849N, H2923N, H2944N, H2945N, H2250N.
Identifiers: ClinVar variation 1374569 (VCV001374569.9), dbSNP rs762424714, ClinGen allele CA7560885.
Genomic context (GRCh38, chr15:51,450,263, plus strand): 5'-AGTCATGGGCCTGGAACGTGTGAATGAGCTGCCTTTGCCTGATGTCAAAAATGCAGACGT[G>T]TCCTTTCCTACCCCCCGAGATTAGGAGTTGCTGTTTGGGTGCATACTGCAGTACCGTGGC-3'
Protein context (NP_001365386.1, residues 2935-2955): QLLISGGRKG[His2945Asn]VCIFDIRQRQ

ClinVar aggregate classification (germline): Conflicting classifications of pathogenicity. Review status: criteria provided, conflicting classifications (1 of 4 stars). 4 submissions from 4 submitters: Uncertain significance (3); Likely benign (1). Last evaluated 2026-02-03.

Conditions:
DMXL2-related disorder. Also called: DMXL2-related condition.
Inborn genetic diseases. Identifiers: MedGen C0950123, MeSH D030342.

Allele frequency attached by ClinVar (database versions not stated): gnomAD 0.00004; ExAC 0.00006; gnomAD exomes 0.00016; TOPMed 0.00019.
gnomAD v4.1: 108 of 1,613,904 alleles (0.0067%); highest among the groups gnomAD compares: Admixed American, 0.08%; no homozygotes.

Submissions (4):

Labcorp Genetics (formerly Invitae), Labcorp
Classification: Uncertain significance. Last evaluated: 2026-02-03. Review status: criteria provided, single submitter. Criteria: Invitae Variant Classification Sherloc (09022015). Collection method: clinical testing. Allele origin: germline.
Comment: This sequence change replaces histidine, which is basic and polar, with asparagine, which is neutral and polar, at codon 2924 of the DMXL2 protein (p.His2924Asn). This variant is present in population databases (rs762424714, gnomAD 0.1%). This variant has not been reported in the literature in individuals affected with DMXL2-related conditions. ClinVar contains an entry for this variant (Variation ID: 1374569). An algorithm developed to predict the effect of missense changes on protein structure and function (PolyPhen-2) suggests that this variant is likely to be tolerated. In summary, the available evidence is currently insufficient to determine the role of this variant in disease. Therefore, it has been classified as a Variant of Uncertain Significance.

PreventionGenetics, part of Exact Sciences
Classification: Uncertain significance for DMXL2-related condition. Last evaluated: 2025-06-25. Review status: criteria provided, single submitter. Criteria: ACMG Guidelines, 2015. Collection method: clinical testing. Allele origin: germline.
Comment: The DMXL2 c.8770C>A variant is predicted to result in the amino acid substitution p.His2924Asn. To our knowledge, this variant has not been reported in the literature. This variant is reported in 0.10% of alleles in individuals of Latino descent in gnomAD. Although we suspect that this variant may be benign, at this time, the clinical significance of this variant is uncertain due to the absence of conclusive functional and genetic evidence.

Blueprint Genetics
Classification: Likely benign. Last evaluated: 2024-11-06. Review status: criteria provided, single submitter. Criteria: ACMG Guidelines, 2015. Collection method: clinical testing. Allele origin: germline.

Ambry Genetics
Classification: Uncertain significance for Inborn genetic diseases. Last evaluated: 2021-09-16. Review status: criteria provided, single submitter. Criteria: Ambry Variant Classification Scheme 2023. Collection method: clinical testing. Allele origin: germline.